The following is an entry in ClinVar:

ClinVar aggregate classification (germline): Uncertain significance (1 of 4 stars; one submission).

Submission:

Labcorp Genetics (formerly Invitae), Labcorp
Classification: Uncertain significance. Last evaluated: 2025-03-04. Review status: criteria provided, single submitter. Criteria: Invitae Variant Classification Sherloc (09022015). Collection method: clinical testing. Allele origin: germline.
Comment: This sequence change replaces lysine, which is basic and polar, with asparagine, which is neutral and polar, at codon 1650 of the CACNA1D protein (p.Lys1650Asn). This variant is not present in population databases (gnomAD no frequency). This variant has not been reported in the literature in individuals affected with CACNA1D-related conditions. Invitae Evidence Modeling of protein sequence and biophysical properties (such as structural, functional, and spatial information, amino acid conservation, physicochemical variation, residue mobility, and thermodynamic stability) indicates that this missense variant is not expected to disrupt CACNA1D protein function with a negative predictive value of 80%. In summary, the available evidence is currently insufficient to determine the role of this variant in disease. Therefore, it has been classified as a Variant of Uncertain Significance.

NM_001128840.3(CACNA1D):c.4890G>T (p.Lys1630Asn)

Gene: CACNA1D (calcium voltage-gated channel subunit alpha1 D; plus strand). Cytogenetic location: 3p21.1.
Variant type: single nucleotide variant.
Coding change: c.4890G>T on transcript NM_001128840.3 (MANE Select); coding-DNA position 4890, G replaced by T.
Protein change: p.Lys1630Asn; replaces lysine 1630 with asparagine.
Molecular consequence: missense variant.
Genome position (GRCh38, 1-based): chr3:53,786,919, G>T. VCF-style: chr3-53786919-G-T. GRCh37 (hg19) VCF-style: chr3-53820946-G-T.
Other names: c.4950G>T, p.Lys1650Asn (NM_000720.4); c.4845G>T, p.Lys1615Asn (NM_001128839.3); short protein forms K1615N, K1650N, K1630N.
Identifiers: ClinVar variation 3662564 (VCV003662564.2).